The following is an entry in ClinVar:

ClinVar aggregate classification (germline): Uncertain significance (1 of 4 stars; one submission).

Allele frequency attached by ClinVar (database versions not stated): gnomAD 0.00001; TOPMed 0.00001.

Submission:

Labcorp Genetics (formerly Invitae), Labcorp
Classification: Uncertain significance. Last evaluated: 2023-12-16. Review status: criteria provided, single submitter. Criteria: Invitae Variant Classification Sherloc (09022015). Collection method: clinical testing. Allele origin: germline.
Comment: This sequence change replaces proline, which is neutral and non-polar, with leucine, which is neutral and non-polar, at codon 7 of the ITGB3 protein (p.Pro7Leu). This variant is present in population databases (no rsID available, gnomAD 0.1%). This variant has not been reported in the literature in individuals affected with ITGB3-related conditions. An algorithm developed to predict the effect of missense changes on protein structure and function (PolyPhen-2) suggests that this variant is likely to be tolerated. In summary, the available evidence is currently insufficient to determine the role of this variant in disease. Therefore, it has been classified as a Variant of Uncertain Significance.

NM_000212.3(ITGB3):c.20C>T (p.Pro7Leu)

Genes: ITGB3 (integrin subunit beta 3; plus strand), LOC130061041 (ATAC-STARR-seq lymphoblastoid silent region 8624; plus strand). Cytogenetic location: 17q21.32.
Variant type: single nucleotide variant.
Coding change: c.20C>T on transcript NM_000212.3 (MANE Select); coding-DNA position 20, C replaced by T.
Protein change: p.Pro7Leu; replaces proline 7 with leucine.
Molecular consequence: missense variant.
Genome position (GRCh38, 1-based): chr17:47,253,881, C>T. VCF-style: chr17-47253881-C-T. GRCh37 (hg19) VCF-style: chr17-45331247-C-T.
Other names: short protein forms P7L.
Identifiers: ClinVar variation 3022993 (VCV003022993.3), dbSNP rs1216806597, ClinGen allele CA400028261.